The following is an entry in ClinVar:

ClinVar aggregate classification (germline): Pathogenic/Likely pathogenic. Review status: criteria provided, multiple submitters, no conflicts (2 of 4 stars). 2 submissions from 2 submitters: Pathogenic (1); Likely pathogenic (1). Last evaluated 2022-07-15.

Conditions:
Cardiovascular phenotype. Identifiers: MedGen CN230736.
Hereditary cancer-predisposing syndrome. Also called: Hereditary neoplastic syndrome; Neoplastic Syndromes, Hereditary; Tumor predisposition; Hereditary Cancer Syndrome. Identifiers: Orphanet 140162, MedGen C0027672, MeSH D009386, MONDO:0015356.
Neurofibromatosis, type 1 (NF1). Also called: VON RECKLINGHAUSEN DISEASE; Peripheral type neurofibromatosis; NEUROFIBROMATOSIS, TYPE I, SOMATIC; Neurofibromatosis, type I. Identifiers: Orphanet 636, MedGen C0027831, MONDO:0018975, OMIM 162200. Disease mechanism: loss of function.

Allele frequency attached by ClinVar (database versions not stated): gnomAD exomes below 0.00001.
gnomAD v4.1: 1 of 1,614,070 alleles (0.000062%); highest among the groups gnomAD compares: Non-Finnish European, 0.000085%; no homozygotes.

Submissions (2):

Laboratorio de Genetica e Diagnostico Molecular, Hospital Israelita Albert Einstein
Classification: Likely pathogenic for Neurofibromatosis, type 1. Last evaluated: 2022-07-15. Review status: criteria provided, single submitter. Criteria: ACMG Guidelines, 2015. Collection method: clinical testing. Allele origin: germline. Affected: yes. Observed: 1 variant allele.
Comment: ACMG classification criteria: PVS1 very strong, PM2 moderated

Ambry Genetics
Classification: Pathogenic for Cardiovascular phenotype; Hereditary cancer-predisposing syndrome. Last evaluated: 2017-06-20. Review status: criteria provided, single submitter. Criteria: Ambry Variant Classification Scheme 2023. Collection method: clinical testing. Allele origin: germline.
Comment: The p.Y2482* pathogenic mutation (also known as c.7446C>A), located in coding exon 50 of the NF1 gene, results from a C to A substitution at nucleotide position 7446. This changes the amino acid from a tyrosine to a stop codon within coding exon 50. This alteration is expected to result in loss of function by premature protein truncation or nonsense-mediated mRNA decay. As such, this alteration is interpreted as a disease-causing mutation.

NM_001042492.3(NF1):c.7509C>A (p.Tyr2503Ter)

Gene: NF1 (neurofibromin 1; plus strand). Cytogenetic location: 17q11.2.
Variant type: single nucleotide variant.
Coding change: c.7509C>A on transcript NM_001042492.3 (MANE Select); coding-DNA position 7509, C replaced by A.
Protein change: p.Tyr2503Ter; replaces tyrosine 2503 with a stop codon.
Molecular consequence: nonsense.
Genome position (GRCh38, 1-based): chr17:31,352,308, C>A. VCF-style: chr17-31352308-C-A. GRCh37 (hg19) VCF-style: chr17-29679326-C-A.
Other names: c.7446C>A, p.Tyr2482Ter (NM_000267.4); short protein forms Y2482*, Y2503*.
Identifiers: ClinVar variation 484140 (VCV000484140.5), dbSNP rs1555536359, ClinGen allele CA399017538.